The following is an entry in ClinVar:

ClinVar aggregate classification (germline): Conflicting classifications of pathogenicity. Review status: criteria provided, conflicting classifications (1 of 4 stars). 2 submissions from 2 submitters: Uncertain significance (1); Likely benign (1). Last evaluated 2025-09-08.

Conditions:
Charcot-Marie-Tooth disease axonal type 2O. Also called: CHARCOT-MARIE-TOOTH NEUROPATHY, AXONAL, TYPE 2O; CHARCOT-MARIE-TOOTH DISEASE, AXONAL, AUTOSOMAL DOMINANT, TYPE 2O; Charcot-Marie-Tooth Neuropathy Type 2O; Charcot-Marie-Tooth disease, axonal, type 20. Identifiers: Orphanet 284232, MedGen C3280220, MONDO:0013644, OMIM 614228.

Allele frequency attached by ClinVar (database versions not stated): gnomAD 0.00001; 1000 Genomes Project 30x 0.00016; 1000 Genomes Project 0.00020.
gnomAD v4.1: 8 of 1,614,074 alleles (0.0005%); highest among the groups gnomAD compares: East Asian, 0.0045%; no homozygotes.

Submissions (2):

Labcorp Genetics (formerly Invitae), Labcorp
Classification: Likely benign for Charcot-Marie-Tooth disease axonal type 2O. Last evaluated: 2025-09-08. Review status: criteria provided, single submitter. Criteria: Invitae Variant Classification Sherloc (09022015). Collection method: clinical testing. Allele origin: germline.

Women's Health and Genetics/Laboratory Corporation of America, LabCorp
Classification: Uncertain significance. Last evaluated: 2025-07-07. Review status: criteria provided, single submitter. Criteria: LabCorp Variant Classification Summary - May 2015. Collection method: clinical testing. Allele origin: germline.
Comment: Variant summary: DYNC1H1 c.11408C>T (p.Pro3803Leu) results in a non-conservative amino acid change in the encoded protein sequence. Algorithms developed to predict the effect of missense changes on protein structure and function are either unavailable or do not agree on the potential impact of this missense change. The variant allele was found at a frequency of 1.2e-05 in 251270 control chromosomes. The available data on variant occurrences in the general population are insufficient to allow any conclusion about variant significance. To our knowledge, no occurrence of c.11408C>T in individuals affected with Charcot-Marie-Tooth disease axonal type 2O and no experimental evidence demonstrating its impact on protein function have been reported. ClinVar contains an entry for this variant (Variation ID: 1399577). Based on the evidence outlined above, the variant was classified as uncertain significance.

NM_001376.5(DYNC1H1):c.11408C>T (p.Pro3803Leu)

Gene: DYNC1H1 (dynein cytoplasmic 1 heavy chain 1; plus strand). Cytogenetic location: 14q32.31.
Variant type: single nucleotide variant.
Coding change: c.11408C>T on transcript NM_001376.5 (MANE Select); coding-DNA position 11408, C replaced by T.
Protein change: p.Pro3803Leu; replaces proline 3803 with leucine.
Molecular consequence: missense variant.
Genome position (GRCh38, 1-based): chr14:102,039,202, C>T. VCF-style: chr14-102039202-C-T. GRCh37 (hg19) VCF-style: chr14-102505539-C-T.
Other names: short protein forms P3803L.
Identifiers: ClinVar variation 1399577 (VCV001399577.8), dbSNP rs571126286, ClinGen allele CA266974245.